The following is an entry in ClinVar:

ClinVar aggregate classification (germline): Uncertain significance (1 of 4 stars; one submission).

Conditions:
Charcot-Marie-Tooth disease dominant intermediate F. Identifiers: Orphanet 352670, MedGen C4749463, MONDO:0014074, OMIM 615185.

Allele frequency attached by ClinVar (database versions not stated): gnomAD exomes below 0.00001; TOPMed below 0.00001; gnomAD 0.00001.
gnomAD v4.1: 4 of 1,613,890 alleles (0.00025%); highest among the groups gnomAD compares: South Asian, 0.0022%; no homozygotes.

Submission:

Labcorp Genetics (formerly Invitae), Labcorp
Classification: Uncertain significance for Charcot-Marie-Tooth disease dominant intermediate F. Last evaluated: 2023-05-22. Review status: criteria provided, single submitter. Criteria: Invitae Variant Classification Sherloc (09022015). Collection method: clinical testing. Allele origin: germline.
Comment: This sequence change replaces arginine, which is basic and polar, with histidine, which is basic and polar, at codon 150 of the GNB4 protein (p.Arg150His). This variant is not present in population databases (gnomAD no frequency). This variant has not been reported in the literature in individuals affected with GNB4-related conditions. Advanced modeling of protein sequence and biophysical properties (such as structural, functional, and spatial information, amino acid conservation, physicochemical variation, residue mobility, and thermodynamic stability) performed at Invitae indicates that this missense variant is expected to disrupt GNB4 protein function. In summary, the available evidence is currently insufficient to determine the role of this variant in disease. Therefore, it has been classified as a Variant of Uncertain Significance.

NM_021629.4(GNB4):c.449G>A (p.Arg150His)

Gene: GNB4 (G protein subunit beta 4; minus strand). Cytogenetic location: 3q26.33.
Variant type: single nucleotide variant.
Coding change: c.449G>A on transcript NM_021629.4 (MANE Select); coding-DNA position 449, G replaced by A.
Protein change: p.Arg150His; replaces arginine 150 with histidine.
Molecular consequence: missense variant.
Genome position (GRCh38, 1-based): chr3:179,413,763, C>T on the plus strand (G>A on the coding strand, the complement: GNB4 is on the minus strand). VCF-style: chr3-179413763-C-T. GRCh37 (hg19) VCF-style: chr3-179131551-C-T.
Other names: short protein forms R150H.
Identifiers: ClinVar variation 2909323 (VCV002909323.3), dbSNP rs1714717371, ClinGen allele CA355469811.
Genomic context (GRCh38, chr3:179,413,763, plus strand): 5'-GAATAAACTTACCAAGTTGTATCTCCTGAACTTGTAACAATTTGGCTGTCATCTAAAAAA[C>T]GACAGCAGGACAAGTACCCTACAGCATAAAGAGTAGCAAATTTTAGGTTATCACTGATTG-3'
Protein context (NP_067642.1, residues 140-160): PGHTGYLSCC[Arg150His]FLDDSQIVTS